The following is an entry in ClinVar:

NM_003072.5(SMARCA4):c.4258G>T (p.Gly1420Cys)

Gene: SMARCA4 (SWI/SNF related BAF chromatin remodeling complex subunit ATPase 4; plus strand). Cytogenetic location: 19p13.2.
Variant type: single nucleotide variant.
Coding change: c.4258G>T on transcript NM_003072.5 (MANE Select); coding-DNA position 4258, G replaced by T.
Protein change: p.Gly1420Cys; replaces glycine 1420 with cysteine.
Molecular consequence: missense variant. On other transcripts: non-coding transcript variant (1).
Genome position (GRCh38, 1-based): chr19:11,041,394, G>T. VCF-style: chr19-11041394-G-T. GRCh37 (hg19) VCF-style: chr19-11152070-G-T.
Other names: c.4258G>T, p.Gly1420Cys (NM_001128844.3); c.4168G>T, p.Gly1390Cys (NM_001128845.2, NM_001128846.2); c.4159G>T, p.Gly1387Cys (NM_001128847.4, NM_001128848.2, NM_001374457.1); c.4354G>T, p.Gly1452Cys (NM_001128849.3, NM_001387283.1); c.4255G>T, p.Gly1419Cys (NM_001411150.1); short protein forms G1419C, G1452C, G1387C, G1390C, G1420C.
Identifiers: ClinVar variation 5029848 (VCV005029848.1).

ClinVar aggregate classification (germline): Uncertain significance (1 of 4 stars; one submission).

Conditions:
Hereditary cancer-predisposing syndrome. Also called: Neoplastic Syndromes, Hereditary; Tumor predisposition; Hereditary neoplastic syndrome; Hereditary Cancer Syndrome. Identifiers: Orphanet 140162, MedGen C0027672, MeSH D009386, MONDO:0015356.

Submission:

Ambry Genetics
Classification: Uncertain significance for Hereditary cancer-predisposing syndrome. Last evaluated: 2026-07-07. Review status: criteria provided, single submitter. Criteria: Ambry Variant Classification Scheme 2023. Collection method: clinical testing. Allele origin: germline.
Comment: The p.G1452C variant (also known as c.4354G>T), located in coding exon 30 of the SMARCA4 gene, results from a G to T substitution at nucleotide position 4354. The glycine at codon 1452 is replaced by cysteine, an amino acid with highly dissimilar properties. This amino acid position is conserved. In addition, the in silico prediction for this alteration is inconclusive. Based on the available evidence, the clinical significance of this variant remains unclear.